The following is an entry in ClinVar:

NM_000329.3(RPE65):c.1415T>C (p.Phe472Ser)

Gene: RPE65 (retinoid isomerohydrolase RPE65; minus strand). Cytogenetic location: 1p31.3.
Variant type: single nucleotide variant.
Coding change: c.1415T>C on transcript NM_000329.3 (MANE Select); coding-DNA position 1415, T replaced by C.
Protein change: p.Phe472Ser; replaces phenylalanine 472 with serine.
Molecular consequence: missense variant.
Genome position (GRCh38, 1-based): chr1:68,431,100, A>G on the plus strand (T>C on the coding strand, the complement: RPE65 is on the minus strand). VCF-style: chr1-68431100-A-G. GRCh37 (hg19) VCF-style: chr1-68896783-A-G.
Other names: p.Phe472Ser; c.1307T>C, p.Phe436Ser (NM_001406853.1); c.1139T>C, p.Phe380Ser (NM_001406856.1, NM_001406857.1); short protein forms F380S, F436S, F472S.
Identifiers: ClinVar variation 4849656 (VCV004849656.1).

ClinVar aggregate classification (germline): Likely pathogenic (1 of 4 stars; one submission).

Conditions:
Leber congenital amaurosis 2 (LCA2). Also called: AMAUROSIS CONGENITA OF LEBER II; Autosomal Recessive RPE65-Related Retinal Degeneration. Identifiers: Orphanet 65, MedGen C1859844, MONDO:0008765, OMIM 204100. Disease mechanism: loss of function.

Submission:

Medical Molecular Genetics Department, National Research Center
Classification: Likely pathogenic for Leber congenital amaurosis 2. Last evaluated: 2026-03-01. Review status: criteria provided, single submitter. Criteria: ACMG Guidelines, 2015. Collection method: research. Allele origin: germline. Affected: yes. Observed: 1 variant allele.
Comment: RPE65 c.1415T>C (p.Phe472Ser): Absent from gnomAD. Novel missense in catalytic propeller domain. CADD=28.1, REVEL=0.85. PremPS delta G=-2.3 kcal/mol (destabilizing). Classified Likely pathogenic (PM1,PM2,PP2,PP3)